The following is an entry in ClinVar:

ClinVar aggregate classification (germline): Uncertain significance. Review status: criteria provided, multiple submitters, no conflicts (2 of 4 stars). 4 submissions from 4 submitters: Uncertain significance (4). Last evaluated 2025-02-21.

Conditions:
Inborn genetic diseases. Identifiers: MedGen C0950123, MeSH D030342.
Hypoplastic pancreas-intestinal atresia-hypoplastic gallbalder syndrome. Also called: DIABETES, NEONATAL, WITH PANCREATIC HYPOPLASIA, INTESTINAL ATRESIA, AND GALLBLADDER APLASIA OR HYPOPLASIA; Mitchell-Riley syndrome. Identifiers: Orphanet 293864, MedGen C2748662, MONDO:0017400, OMIM 615710.

Allele frequency attached by ClinVar (database versions not stated): ExAC 0.00004; TOPMed 0.00011; ESP Exome Variant Server 0.00015; gnomAD 0.00013 and 0.00014; gnomAD exomes 0.00004.
gnomAD v4.1: 87 of 1,613,860 alleles (0.0054%); highest among the groups gnomAD compares: African/African-American, 0.037%; no homozygotes.

Submissions (4):

Clinical Genomics Laboratory, Washington University in St. Louis
Classification: Uncertain significance for Hypoplastic pancreas-intestinal atresia-hypoplastic gallbalder syndrome. Last evaluated: 2025-02-21. Review status: criteria provided, single submitter. Criteria: ACMG Guidelines, 2015. Collection method: clinical testing. Allele origin: germline.
Comment: A RFX6 c.2464G>A (p.Val822Ile) variant was identified in a heterozygous state. This variant, to our knowledge, has not been reported in the medical literature. It is observed on 12/282,824 alleles in the general population (gnomAD v.2.1.1). This variant has been reported in the ClinVar database as a germline variant of uncertain significance by three submitters (ClinVar ID: 289405). Computational predictors suggest that the variant does not impact RFX6 function. Due to limited information, and based on ACMG/AMP guidelines for variant interpretation (Richards S et al., PMID: 25741868), the clinical significance of the RFX6 c.2464G>A (p.Val822Ile) variant is uncertain at this time.

Ambry Genetics
Classification: Uncertain significance for Inborn genetic diseases. Last evaluated: 2023-12-19. Review status: criteria provided, single submitter. Criteria: Ambry Variant Classification Scheme 2023. Collection method: clinical testing. Allele origin: germline.

Labcorp Genetics (formerly Invitae), Labcorp
Classification: Uncertain significance. Last evaluated: 2023-02-10. Review status: criteria provided, single submitter. Criteria: Invitae Variant Classification Sherloc (09022015). Collection method: clinical testing. Allele origin: germline.
Comment: In summary, the available evidence is currently insufficient to determine the role of this variant in disease. Therefore, it has been classified as a Variant of Uncertain Significance. Algorithms developed to predict the effect of missense changes on protein structure and function are either unavailable or do not agree on the potential impact of this missense change (SIFT: "Tolerated"; PolyPhen-2: "Probably Damaging"; Align-GVGD: "Class C0"). ClinVar contains an entry for this variant (Variation ID: 289405). This variant has not been reported in the literature in individuals affected with RFX6-related conditions. This variant is present in population databases (rs373007099, gnomAD 0.04%). This sequence change replaces valine, which is neutral and non-polar, with isoleucine, which is neutral and non-polar, at codon 822 of the RFX6 protein (p.Val822Ile).

Eurofins Ntd Llc (ga)
Classification: Uncertain significance. Last evaluated: 2016-07-11. Review status: criteria provided, single submitter. Criteria: EGL Classification Definitions 2015. Collection method: clinical testing. Allele origin: germline. Observed: 1 variant allele, 1 heterozygote.

NM_173560.4(RFX6):c.2464G>A (p.Val822Ile)

Gene: RFX6 (regulatory factor X6; plus strand). Cytogenetic location: 6q22.1.
Variant type: single nucleotide variant.
Coding change: c.2464G>A on transcript NM_173560.4 (MANE Select); coding-DNA position 2464, G replaced by A.
Protein change: p.Val822Ile; replaces valine 822 with isoleucine.
Molecular consequence: missense variant.
Genome position (GRCh38, 1-based): chr6:116,928,824, G>A. VCF-style: chr6-116928824-G-A. GRCh37 (hg19) VCF-style: chr6-117249987-G-A.
Other names: c.2464G>A (NM_173560.3); short protein forms V822I.
Identifiers: ClinVar variation 289405 (VCV000289405.9), dbSNP rs373007099, ClinGen allele CA3973559.